The following is an entry in ClinVar:

NM_001365536.1(SCN9A):c.1315-3C>T

Genes: SCN1A-AS1 (SCN1A and SCN9A antisense RNA 1; plus strand), SCN9A (sodium voltage-gated channel alpha subunit 9; minus strand). Cytogenetic location: 2q24.3.
Variant type: single nucleotide variant.
Coding change: c.1315-3C>T on transcript NM_001365536.1 (MANE Select); 3 bases into the intron before coding-DNA position 1315, C replaced by T.
Molecular consequence: intron variant.
Genome position (GRCh38, 1-based): chr2:166,286,626, G>A on the plus strand (C>T on the coding strand, the complement: SCN9A is on the minus strand). VCF-style: chr2-166286626-G-A. GRCh37 (hg19) VCF-style: chr2-167143136-G-A.
Other names: c.1315-3C>T (NM_002977.4).
Identifiers: ClinVar variation 1946009 (VCV001946009.5), dbSNP rs774682455, ClinGen allele CA1944532.
Genomic context (GRCh38, chr2:166,286,626, plus strand): 5'-GGCCCATAATTCTGCTTCTCCTAATACTTGTATATTCAGCCGCTGCCGCTGCAATTGCCT[G>A]GTTGGGCCAAGACGTTAACACTTAAATGAGTCATTTCCAAATCCTAGGAAACCCTAGGAC-3'

ClinVar aggregate classification (germline): Uncertain significance (1 of 4 stars; one submission).

Conditions:
Neuropathy, hereditary sensory and autonomic, type 2A (HSAN2A). Also called: MORVAN DISEASE; NEUROPATHY, CONGENITAL SENSORY; NEUROPATHY, HEREDITARY SENSORY RADICULAR, AUTOSOMAL RECESSIVE; NEUROPATHY, HEREDITARY SENSORY, TYPE IIA; NEUROPATHY, PROGRESSIVE SENSORY, OF CHILDREN; ACROOSTEOLYSIS, GIACCAI TYPE. Identifiers: Orphanet 970, MedGen C2752089, MONDO:0024309, OMIM 201300.
Generalized epilepsy with febrile seizures plus, type 7 (GEFSP7). Also called: GEFS+, TYPE 7. Identifiers: Orphanet 36387, MedGen C2751778, MONDO:0013470, OMIM 613863.

Allele frequency attached by ClinVar (database versions not stated): TOPMed below 0.00001.
gnomAD v4.1: 11 of 1,530,760 alleles (0.00072%); highest among the groups gnomAD compares: Non-Finnish European, 0.00087%; no homozygotes.

Submission:

Labcorp Genetics (formerly Invitae), Labcorp
Classification: Uncertain significance for Neuropathy, hereditary sensory and autonomic, type 2A; Generalized epilepsy with febrile seizures plus, type 7. Last evaluated: 2024-01-07. Review status: criteria provided, single submitter. Criteria: Invitae Variant Classification Sherloc (09022015). Collection method: clinical testing. Allele origin: germline.
Comment: This sequence change falls in intron 10 of the SCN9A gene. It does not directly change the encoded amino acid sequence of the SCN9A protein. It affects a nucleotide within the consensus splice site. This variant is not present in population databases (gnomAD no frequency). This variant has not been reported in the literature in individuals affected with SCN9A-related conditions. ClinVar contains an entry for this variant (Variation ID: 1946009). Variants that disrupt the consensus splice site are a relatively common cause of aberrant splicing (PMID: 17576681, 9536098). Algorithms developed to predict the effect of sequence changes on RNA splicing suggest that this variant is not likely to affect RNA splicing. In summary, the available evidence is currently insufficient to determine the role of this variant in disease. Therefore, it has been classified as a Variant of Uncertain Significance.

Literature cited by the submitters: PubMed 17576681; PubMed 9536098.